The following is an entry in ClinVar:

ClinVar aggregate classification (germline): Uncertain significance (1 of 4 stars; one submission).

Submission:

Women's Health and Genetics/Laboratory Corporation of America, LabCorp
Classification: Uncertain significance. Last evaluated: 2025-01-22. Review status: criteria provided, single submitter. Criteria: LabCorp Variant Classification Summary - May 2015. Collection method: clinical testing. Allele origin: germline.
Comment: Variant summary: TTN c.77271C>A (p.Phe25757Leu) results in a non-conservative amino acid change in the encoded protein sequence. Three of three in-silico tools predict a damaging effect of the variant on protein function. The variant was absent in 248240 control chromosomes. The available data on variant occurrences in the general population are insufficient to allow any conclusion about variant significance. To our knowledge, no occurrence of c.77271C>A in individuals affected with Autosomal Recessive Titinopathy and no experimental evidence demonstrating its impact on protein function have been reported. No submitters have cited clinical-significance assessments for this variant to ClinVar. Based on the evidence outlined above, the variant was classified as uncertain significance.

NM_001267550.2(TTN):c.84975C>A (p.Phe28325Leu)

Genes: TTN (titin; minus strand), TTN-AS1 (TTN antisense RNA 1; plus strand). Cytogenetic location: 2q31.2.
Variant type: single nucleotide variant.
Coding change: c.84975C>A on transcript NM_001267550.2 (MANE Select); coding-DNA position 84975, C replaced by A.
Protein change: p.Phe28325Leu; replaces phenylalanine 28325 with leucine.
Molecular consequence: missense variant.
Genome position (GRCh38, 1-based): chr2:178,561,157, G>T on the plus strand (C>A on the coding strand, the complement: TTN is on the minus strand). VCF-style: chr2-178561157-G-T. GRCh37 (hg19) VCF-style: chr2-179425884-G-T.
Other names: c.80052C>A, p.Phe26684Leu (NM_001256850.1); c.57780C>A, p.Phe19260Leu (NM_003319.4); c.77271C>A, p.Phe25757Leu (NM_133378.4); c.58155C>A, p.Phe19385Leu (NM_133432.3); c.58356C>A, p.Phe19452Leu (NM_133437.4); short protein forms F19260L, F19385L, F19452L, F25757L, F26684L, F28325L.
Identifiers: ClinVar variation 3769485 (VCV003769485.2).